The following is an entry in ClinVar:

ClinVar aggregate classification (germline): Uncertain significance (1 of 4 stars; one submission).

gnomAD v4.1: 3 of 1,612,948 alleles (0.00019%); highest among the groups gnomAD compares: Admixed American, 0.0017%; no homozygotes.

Submission:

Labcorp Genetics (formerly Invitae), Labcorp
Classification: Uncertain significance. Last evaluated: 2024-04-16. Review status: criteria provided, single submitter. Criteria: Invitae Variant Classification Sherloc (09022015). Collection method: clinical testing. Allele origin: germline.
Comment: This sequence change replaces valine, which is neutral and non-polar, with phenylalanine, which is neutral and non-polar, at codon 653 of the MKL1 protein (p.Val653Phe). The frequency data for this variant in the population databases is considered unreliable, as metrics indicate poor data quality at this position in the gnomAD database. This variant has not been reported in the literature in individuals affected with MKL1-related conditions. An algorithm developed to predict the effect of missense changes on protein structure and function (PolyPhen-2) suggests that this variant is likely to be tolerated. In summary, the available evidence is currently insufficient to determine the role of this variant in disease. Therefore, it has been classified as a Variant of Uncertain Significance.

NM_020831.6(MRTFA):c.2257G>T (p.Val753Phe)

Gene: MRTFA (myocardin related transcription factor A; minus strand). Cytogenetic location: 22q13.1.
Variant type: single nucleotide variant.
Coding change: c.2257G>T on transcript NM_020831.6 (MANE Select); coding-DNA position 2257, G replaced by T.
Protein change: p.Val753Phe; replaces valine 753 with phenylalanine.
Molecular consequence: missense variant.
Genome position (GRCh38, 1-based): chr22:40,418,481, C>A on the plus strand (G>T on the coding strand, the complement: MRTFA is on the minus strand). VCF-style: chr22-40418481-C-A. GRCh37 (hg19) VCF-style: chr22-40814485-C-A.
Other names: c.1957G>T, p.Val653Phe (NM_001282660.2); c.2107G>T, p.Val703Phe (NM_001282661.3); c.2257G>T, p.Val753Phe (NM_001282662.3); c.2062G>T, p.Val688Phe (NM_001318139.2); short protein forms V688F, V703F, V653F, V753F.
Identifiers: ClinVar variation 3668828 (VCV003668828.2).